The following is an entry in ClinVar:

NM_004006.3(DMD):c.3101C>T (p.Ser1034Phe)

Gene: DMD (dystrophin; minus strand). Cytogenetic location: Xp21.1.
Variant type: single nucleotide variant.
Coding change: c.3101C>T on transcript NM_004006.3 (MANE Select); coding-DNA position 3101, C replaced by T.
Protein change: p.Ser1034Phe; replaces serine 1034 with phenylalanine.
Molecular consequence: missense variant.
Genome position (GRCh38, 1-based): chrX:32,468,559, G>A on the plus strand (C>T on the coding strand, the complement: DMD is on the minus strand). VCF-style: chrX-32468559-G-A. GRCh37 (hg19) VCF-style: chrX-32486676-G-A.
Other names: c.3077C>T, p.Ser1026Phe (NM_000109.4); c.3089C>T, p.Ser1030Phe (NM_004009.3); c.2732C>T, p.Ser911Phe (NM_004010.3); short protein forms S1034F, S1026F, S911F, S1030F.
Identifiers: ClinVar variation 195751 (VCV000195751.13), dbSNP rs794727380, ClinGen allele CA242328.

ClinVar aggregate classification (germline): Uncertain significance. Review status: criteria provided, multiple submitters, no conflicts (2 of 4 stars). 4 submissions from 4 submitters: Uncertain significance (3). 1 of the submissions does not count toward it. Last evaluated 2024-05-08.

Conditions:
Cardiomyopathy (CMYO). Also called: Cardiomyopathies. Identifiers: Orphanet 167848, MedGen C0878544, MONDO:0004994, HP:0001638. Inheritance: Various modes of inheritance.
Duchenne muscular dystrophy (DMD). Also called: MUSCULAR DYSTROPHY, PSEUDOHYPERTROPHIC PROGRESSIVE, DUCHENNE TYPE; Duchenne Muscular Dystrophy (DMD). Identifiers: Orphanet 98896, MedGen C0013264, MONDO:0010679, OMIM 310200.
Becker muscular dystrophy (BMD). Also called: Becker Muscular Dystrophy (BMD); MUSCULAR DYSTROPHY, PSEUDOHYPERTROPHIC PROGRESSIVE, BECKER TYPE. Identifiers: Orphanet 98895, MedGen C0917713, MONDO:0010311, OMIM 300376.
Dystrophin deficiency.

Allele frequency attached by ClinVar (database versions not stated): gnomAD exomes below 0.00001; gnomAD 0.00002.
gnomAD v4.1: 3 of 1,208,555 alleles (0.00025%); highest among the groups gnomAD compares: African/African-American, 0.0035%; no homozygotes.

Submissions (4):

Labcorp Genetics (formerly Invitae), Labcorp
Classification: Uncertain significance for Duchenne muscular dystrophy. Last evaluated: 2024-05-08. Review status: criteria provided, single submitter. Criteria: Invitae Variant Classification Sherloc (09022015). Collection method: clinical testing. Allele origin: germline.
Comment: This sequence change replaces serine, which is neutral and polar, with phenylalanine, which is neutral and non-polar, at codon 1034 of the DMD protein (p.Ser1034Phe). This variant is not present in population databases (gnomAD no frequency). This variant has not been reported in the literature in individuals affected with DMD-related conditions. ClinVar contains an entry for this variant (Variation ID: 195751). Advanced modeling of protein sequence and biophysical properties (such as structural, functional, and spatial information, amino acid conservation, physicochemical variation, residue mobility, and thermodynamic stability) performed at Invitae indicates that this missense variant is not expected to disrupt DMD protein function with a negative predictive value of 95%. In summary, the available evidence is currently insufficient to determine the role of this variant in disease. Therefore, it has been classified as a Variant of Uncertain Significance.

Mendelics
Classification: Uncertain significance for Duchenne muscular dystrophy. Last evaluated: 2019-05-28. Review status: criteria provided, single submitter. Criteria: Mendelics Assertion Criteria 2017. Collection method: clinical testing. Allele origin: unknown.

Eurofins Ntd Llc (ga)
Classification: Uncertain significance. Last evaluated: 2014-12-09. Review status: criteria provided, single submitter. Criteria: EGL Classification Definitions 2015. Collection method: clinical testing. Allele origin: germline. Observed: 1 variant allele, 1 hemizygote.

Natera, Inc.
Classification: Uncertain significance for Becker muscular dystrophy; Cardiomyopathy; Duchenne muscular dystrophy; Dystrophin deficiency. Last evaluated: 2019-11-07. Review status: no assertion criteria provided. Collection method: clinical testing. Allele origin: germline. Not counted in ClinVar's aggregate classification.